The following is an entry in ClinVar:

ClinVar aggregate classification (germline): Uncertain significance (1 of 4 stars; one submission).

Submission:

GeneDx
Classification: Uncertain significance. Last evaluated: 2019-05-21. Review status: criteria provided, single submitter. Criteria: GeneDx Variant Classification Process June 2021. Collection method: clinical testing. Allele origin: germline. Affected: yes.
Comment: Not observed in large population cohorts (Lek et al., 2016); Missense variant in a gene in which most reported pathogenic variants are truncating/loss-of-function; Has not been previously published as pathogenic or benign to our knowledge; Located in the M-line of the titin protein, where the majority of pathogenic truncating variants associated with muscular dystrophy have been reported.

NM_001267550.2(TTN):c.107777C>A (p.Pro35926Gln)

Genes: TTN (titin; minus strand), TTN-AS1 (TTN antisense RNA 1; plus strand). Cytogenetic location: 2q31.2.
Variant type: single nucleotide variant.
Coding change: c.107777C>A on transcript NM_001267550.2 (MANE Select); coding-DNA position 107777, C replaced by A.
Protein change: p.Pro35926Gln; replaces proline 35926 with glutamine.
Molecular consequence: missense variant.
Genome position (GRCh38, 1-based): chr2:178,527,211, G>T on the plus strand (C>A on the coding strand, the complement: TTN is on the minus strand). VCF-style: chr2-178527211-G-T. GRCh37 (hg19) VCF-style: chr2-179391938-G-T.
Other names: c.102854C>A, p.Pro34285Gln (NM_001256850.1); c.80582C>A, p.Pro26861Gln (NM_003319.4); c.100073C>A, p.Pro33358Gln (NM_133378.4); c.80957C>A, p.Pro26986Gln (NM_133432.3); c.81158C>A, p.Pro27053Gln (NM_133437.4); short protein forms P26861Q, P26986Q, P27053Q, P33358Q, P34285Q, P35926Q.
Identifiers: ClinVar variation 1306043 (VCV001306043.2), dbSNP rs749774302, ClinGen allele CA349399192.